The following is an entry in ClinVar:

ClinVar aggregate classification (germline): Conflicting classifications of pathogenicity. Review status: criteria provided, conflicting classifications (1 of 4 stars). 5 submissions from 5 submitters: Uncertain significance (4); Likely benign (1). Last evaluated 2025-10-02.

Conditions:
USH2A-related disorder. Also called: USH2A-related condition; USH2A-related disorders. Identifiers: MedGen CN239332.

Allele frequency attached by ClinVar (database versions not stated): gnomAD exomes 0.00001; TOPMed 0.00001; gnomAD 0.00001.
gnomAD v4.1: 23 of 1,613,984 alleles (0.0014%); highest among the groups gnomAD compares: Admixed American, 0.0083%; no homozygotes.

Submissions (5):

PreventionGenetics, part of Exact Sciences
Classification: Uncertain significance for USH2A-related condition. Last evaluated: 2025-10-02. Review status: criteria provided, single submitter. Criteria: ACMG Guidelines, 2015. Collection method: clinical testing. Allele origin: germline.
Comment: The USH2A c.13097C>T variant is predicted to result in the amino acid substitution p.Ala4366Val. To our knowledge, this variant has not been reported in the literature. This variant is reported in 0.0087% of alleles in individuals of Latino descent in gnomAD. At this time, the clinical significance of this variant is uncertain due to the absence of conclusive functional and genetic evidence.

Labcorp Genetics (formerly Invitae), Labcorp
Classification: Uncertain significance. Last evaluated: 2025-07-28. Review status: criteria provided, single submitter. Criteria: Invitae Variant Classification Sherloc (09022015). Collection method: clinical testing. Allele origin: germline.
Comment: This sequence change replaces alanine, which is neutral and non-polar, with valine, which is neutral and non-polar, at codon 4366 of the USH2A protein (p.Ala4366Val). This variant is present in population databases (rs727505097, gnomAD 0.009%). This variant has not been reported in the literature in individuals affected with USH2A-related conditions. ClinVar contains an entry for this variant (Variation ID: 179743). Invitae Evidence Modeling of protein sequence and biophysical properties (such as structural, functional, and spatial information, amino acid conservation, physicochemical variation, residue mobility, and thermodynamic stability) indicates that this missense variant is not expected to disrupt USH2A protein function with a negative predictive value of 95%. In summary, the available evidence is currently insufficient to determine the role of this variant in disease. Therefore, it has been classified as a Variant of Uncertain Significance.

Blueprint Genetics
Classification: Uncertain significance. Last evaluated: 2022-09-29. Review status: criteria provided, single submitter. Criteria: ACMG Guidelines, 2015. Collection method: clinical testing. Allele origin: germline.

Eurofins Ntd Llc (ga)
Classification: Uncertain significance. Last evaluated: 2015-05-29. Review status: criteria provided, single submitter. Criteria: EGL Classification Definitions 2015. Collection method: clinical testing. Allele origin: germline. Observed: 1 variant allele, 1 heterozygote.

Laboratory for Molecular Medicine, Mass General Brigham Personalized Medicine
Classification: Likely benign. Last evaluated: 2014-05-01. Review status: criteria provided, single submitter. Criteria: LMM Criteria. Collection method: clinical testing. Allele origin: germline. Observed: 1 variant allele.
Comment: Ala4366Val in exon 63 of USH2A: This variant is not expected to have clinical si gnificance due to a lack of conservation across species, including mammals. Of n ote, at least 4 mammals (squirrel, cat, star-nosed mole, and tenrec) have a vali ne (Val) at this position despite high nearby amino acid conservation.

NM_206933.4(USH2A):c.13097C>T (p.Ala4366Val)

Gene: USH2A (usherin; minus strand). Cytogenetic location: 1q41.
Variant type: single nucleotide variant.
Coding change: c.13097C>T on transcript NM_206933.4 (MANE Select); coding-DNA position 13097, C replaced by T.
Protein change: p.Ala4366Val; replaces alanine 4366 with valine.
Molecular consequence: missense variant.
Genome position (GRCh38, 1-based): chr1:215,674,814, G>A on the plus strand (C>T on the coding strand, the complement: USH2A is on the minus strand). VCF-style: chr1-215674814-G-A. GRCh37 (hg19) VCF-style: chr1-215848156-G-A.
Other names: short protein forms A4366V.
Identifiers: ClinVar variation 179743 (VCV000179743.15), dbSNP rs727505097, ClinGen allele CA185052.
Genomic context (GRCh38, chr1:215,674,814, plus strand): 5'-ATCTTTCCATTTTGCACTGTGGGCGGTGACCAACATACATTCATTTGAGTGGCACTGACG[G>A]CCCAAAGATCTGGAGGGCTGACTTCTGATGGAGCAGCCTCCAGAGTTGTGATGCTGGTGG-3'
Protein context (NP_996816.3, residues 4356-4376): PSEVSPPDLW[Ala4366Val]VSATQMNVCW